The following is an entry in ClinVar:

ClinVar aggregate classification (germline): Pathogenic. Review status: criteria provided, multiple submitters, no conflicts (2 of 4 stars). 10 submissions from 10 submitters: Pathogenic (8). 2 of the submissions do not count toward it. Last evaluated 2025-01-06.

Conditions:
Spastic paraplegia 80, autosomal dominant. Identifiers: OMIM 618418, Orphanet 631068, MedGen C5193084, MONDO:0032737.
Hereditary spastic paraplegia. Also called: Familial spastic paraparesis. Identifiers: Orphanet 685, MedGen C0037773, MONDO:0019064. Disease mechanism: loss of function.

Submissions (10):

Undiagnosed Diseases Network, NIH
Classification: Pathogenic for Spastic paraplegia 80, autosomal dominant. Last evaluated: 2025-01-06. Review status: criteria provided, single submitter. Criteria: ACMG Guidelines, 2015. Collection method: clinical testing. Allele origin: de novo. Inheritance: Autosomal dominant inheritance. Affected: yes. Observed: 1 variant allele, 1 heterozygote.
Comment: Originally reported as uncertain significance on clinical exome sequencing report dated August 30, 2018. Updated to pathogenic on January 6, 2025 based on updated evidence.

Baylor Genetics
Classification: Pathogenic for Spastic paraplegia 80, autosomal dominant. Last evaluated: 2023-03-04. Review status: criteria provided, single submitter. Criteria: ACMG Guidelines, 2015. Collection method: clinical testing. Allele origin: unknown.

Revvity Omics, Revvity
Classification: Pathogenic for Spastic paraplegia 80, autosomal dominant. Last evaluated: 2021-11-30. Review status: criteria provided, single submitter. Criteria: ACMG Guidelines, 2015. Collection method: clinical testing. Allele origin: germline.

CeGaT Center for Human Genetics Tuebingen
Classification: Pathogenic. Last evaluated: 2021-10-01. Review status: criteria provided, single submitter. Criteria: CeGaT Center For Human Genetics Tuebingen Variant Classification Criteria Version 2. Collection method: clinical testing. Allele origin: germline. Affected: yes. Observed: 1 variant allele.

Institute of Medical Genetics and Applied Genomics, University Hospital Tübingen
Classification: Pathogenic. Last evaluated: 2020-10-23. Review status: criteria provided, single submitter. Criteria: ACMG Guidelines, 2015. Collection method: clinical testing. Allele origin: germline. Inheritance: Autosomal dominant inheritance. Affected: yes.

AiLife Diagnostics
Classification: Pathogenic. Last evaluated: 2020-07-20. Review status: criteria provided, single submitter. Criteria: ACMG Guidelines, 2015. Collection method: clinical testing. Allele origin: germline. Affected: yes. Observed: 1 variant allele.

Cambridge Genomics Laboratory, East Genomic Laboratory Hub, NHS Genomic Medicine Service
Classification: Pathogenic for Hereditary spastic paraplegia. Last evaluated: 2019-12-12. Review status: criteria provided, single submitter. Criteria: ACGS Best Practice Guidelines for Variant Classification in Rare Disease 2020. Collection method: clinical testing. Allele origin: germline. Affected: yes. Observed: 1 variant allele.

Lifecell International Pvt. Ltd
Classification: Pathogenic for Spastic paraplegia 80, autosomal dominant. Review status: criteria provided, single submitter. Criteria: ACMG Guidelines, 2015. Collection method: clinical testing. Allele origin: germline. Inheritance: Autosomal dominant inheritance. Affected: yes. Observed: 1 heterozygote.
Comment: A Heterozygous Frameshift variant c.425_426delAG in Exon 4 of the UBAP1 gene that results in the amino acid substitution p.Lys143fs*15 was identified. The variant was found in ClinVar (Variant ID :627552) with a classification of Pathogenic/Uncertain Significnace and a review status of (1 star) criteria provided, conflicting interpretations. The observed variant has a maximum allele frequency of 0.00% in gnomAD exomes and genomes, respectively. The severity of the impact of this variant on the protein is high, based on the effect of the protein and REVEL score . Rare Exome Variant Ensemble Learner (REVEL) is an ensembl method for predicting the pathogenicity of missense variants based on a combination of scores from 13 individual tools: MutPred, FATHMM v2.3, VEST 3.0, PolyPhen-2, SIFT, PROVEAN, MutationAssessor, MutationTaster, LRT, GERP++, SiPhy, phyloP, and phastCons. The REVEL score for an individual missense variant can range from 0 to 1, with higher scores reflecting greater likelihood that the variant is disease-causing. The variant has been previously reported in patients with SPG80 (Nan H et al.,2019). Based on the above evidence this variant has been classified as Pathogenic according to the ACMG guidelines.

The William Harvey Research Institute, Queen Mary University
Classification: Pathogenic for Spastic paraplegia 80, autosomal dominant. Last evaluated: 2020-05-17. Review status: no assertion criteria provided. Collection method: research. Allele origin: germline. Affected: yes. Observed: 2 variant alleles. Not counted in ClinVar's aggregate classification.

OMIM
Classification: Pathogenic for SPASTIC PARAPLEGIA 80, AUTOSOMAL DOMINANT. Last evaluated: 2019-05-13. Review status: no assertion criteria provided. Collection method: literature only. Allele origin: germline. Not counted in ClinVar's aggregate classification.

Literature cited by the submitters: PubMed 30929741 (cited by AiLife Diagnostics and OMIM); PubMed 31696996 (cited by AiLife Diagnostics); PubMed 31203368 (cited by AiLife Diagnostics); PubMed 31515522 (cited by AiLife Diagnostics and Lifecell International Pvt. Ltd).

NM_016525.5(UBAP1):c.426_427del (p.Lys143fs)

Gene: UBAP1 (ubiquitin associated protein 1; plus strand). Cytogenetic location: 9p13.3.
Variant type: Deletion.
Coding change: c.426_427del on transcript NM_016525.5 (MANE Select); coding-DNA positions 426 to 427, 2 bases deleted (GA; older notation c.426_427delGA).
Protein change: p.Lys143fs; shifts the reading frame from lysine 143.
Molecular consequence: frameshift variant. On other transcripts: non-coding transcript variant (1).
Genome position (GRCh38, 1-based): chr9:34,241,451-34,241,452, GA deleted; deleting any 2 consecutive bases within chr9:34,241,450-34,241,452 gives the same sequence; the c. name uses the placement nearest the transcript's 3' end. VCF-style (leftmost placement, unchanged base first): chr9-34241449-CAG-C. GRCh37 (hg19) VCF-style: chr9-34241447-CAG-C.
Other names: c.426_427del (NM_016525.4); c.618_619delGA (NM_001171201.1); c.618_619del, p.Lys207fs (NM_001171201.1); c.534_535del, p.Lys179fs (NM_001171202.1); c.426_427del, p.Lys143fs (NM_001171203.3, NM_001171204.3); c.425_426delAG (NM_016525.5); short protein forms K207fs, K179fs, K143fs.
Identifiers: ClinVar variation 627552 (VCV000627552.51), dbSNP rs1563920252, ClinGen allele CA913189852.